The following is an entry in ClinVar:

NM_001085487.3(MYSM1):c.252dup (p.Val85fs)

Gene: MYSM1 (Myb like, SWIRM and MPN domains 1; minus strand). Cytogenetic location: 1p32.1.
Variant type: Duplication.
Coding change: c.252dup on transcript NM_001085487.3 (MANE Select); coding-DNA position 252, one base duplicated (A; older notation c.252dupA).
Protein change: p.Val85fs; shifts the reading frame from valine 85.
Molecular consequence: frameshift variant.
Genome position (GRCh38, 1-based): chr1:58,690,384, T duplicated on the plus strand (A on the coding strand, the reverse complement: MYSM1 is on the minus strand); the first of 5 consecutive T bases (chr1:58,690,384-58,690,388); duplicating any one gives the same sequence. VCF-style (leftmost placement, unchanged base first): chr1-58690383-C-CT. GRCh37 (hg19) VCF-style: chr1-59156055-C-CT.
Other names: short protein forms V85fs.
Identifiers: ClinVar variation 4767355 (VCV004767355.1).

ClinVar aggregate classification (germline): Pathogenic (1 of 4 stars; one submission).

Submission:

Labcorp Genetics (formerly Invitae), Labcorp
Classification: Pathogenic. Last evaluated: 2025-02-06. Review status: criteria provided, single submitter. Criteria: Invitae Variant Classification Sherloc (09022015). Collection method: clinical testing. Allele origin: germline.
Comment: This sequence change creates a premature translational stop signal (p.Val85Serfs*4) in the MYSM1 gene. It is expected to result in an absent or disrupted protein product. Loss-of-function variants in MYSM1 are known to be pathogenic (PMID: 24288411, 28115216). This variant is not present in population databases (gnomAD no frequency). This variant has not been reported in the literature in individuals affected with MYSM1-related conditions. For these reasons, this variant has been classified as Pathogenic.

Literature cited by the submitters: PubMed 24288411; PubMed 28115216.